The following is an entry in ClinVar:

NM_017739.4(POMGNT1):c.120+13C>T

Gene: POMGNT1 (protein O-linked mannose N-acetylglucosaminyltransferase 1 (beta 1,2-); minus strand). Cytogenetic location: 1p34.1.
Variant type: single nucleotide variant.
Coding change: c.120+13C>T on transcript NM_017739.4 (MANE Select); 13 bases into the intron after coding-DNA position 120, C replaced by T.
Molecular consequence: intron variant.
Genome position (GRCh38, 1-based): chr1:46,197,689, G>A on the plus strand (C>T on the coding strand, the complement: POMGNT1 is on the minus strand). VCF-style: chr1-46197689-G-A. GRCh37 (hg19) VCF-style: chr1-46663361-G-A.
Other names: c.120+13C>T (NM_001243766.2).
Identifiers: ClinVar variation 257664 (VCV000257664.42), dbSNP rs12737140, ClinGen allele CA833878.
Genomic context (GRCh38, chr1:46,197,689, plus strand): 5'-CCAGTGCCTGATTTAGGTGGGGAGGAAGCTGGGAGGGAGCGCTCGGTGGGGAGGGTTTGG[G>A]ACATCTCTATACCTGACAGAATCTCCGCAGGGCCCGCTGGTTTGTCAGTTTATACTTCCA-3'

ClinVar aggregate classification (germline): Conflicting classifications of pathogenicity. Review status: criteria provided, conflicting classifications (1 of 4 stars). 9 submissions from 8 submitters: Uncertain significance (1); Benign (3); Likely benign (2). 3 of the submissions do not count toward it. Last evaluated 2026-09-01.

Conditions:
Congenital Muscular Dystrophy, alpha-dystroglycan related.
Muscular dystrophy-dystroglycanopathy (congenital with impaired intellectual development), type B, 3. Also called: Muscular dystrophy-dystroglycanopathy (congenital with intellectual disability), type B3; MUSCULAR DYSTROPHY, CONGENITAL, POMGNT1-RELATED. Identifiers: MedGen C3150412, MONDO:0013155, OMIM 613151.
Autosomal recessive limb-girdle muscular dystrophy type 2O. Also called: MUSCULAR DYSTROPHY-DYSTROGLYCANOPATHY (LIMB-GIRDLE), TYPE C, 3; Limb-Girdle Muscular Dystrophy Type 3C; MUSCULAR DYSTROPHY-DYSTROGLYCANOPATHY, LIMB-GIRDLE, POMGNT1-RELATED. Identifiers: Orphanet 206564, MedGen C3150417, MONDO:0013161, OMIM 613157.

Allele frequency attached by ClinVar (database versions not stated): 1000 Genomes Project 30x 0.00141; 1000 Genomes Project 0.00180; TOPMed 0.00314; ESP Exome Variant Server 0.00346; ExAC 0.00393; gnomAD 0.00442 and 0.00459; gnomAD exomes 0.00458 and 0.00475.
gnomAD v4.1: 7,704 of 1,614,058 alleles (0.48%); highest among the groups gnomAD compares: Non-Finnish European, 0.47%; 37 homozygotes.

Submissions (9):

CeGaT Center for Human Genetics Tuebingen
Classification: Likely benign. Last evaluated: 2026-09-01. Review status: criteria provided, single submitter. Criteria: CeGaT Center For Human Genetics Tuebingen Variant Classification Criteria Version 2. Collection method: clinical testing. Allele origin: germline. Affected: yes. Observed: 20 variant alleles.
Comment: POMGNT1: BS2

Labcorp Genetics (formerly Invitae), Labcorp
Classification: Benign for Autosomal recessive limb-girdle muscular dystrophy type 2O; Muscular dystrophy-dystroglycanopathy (congenital with impaired intellectual development), type B, 3. Last evaluated: 2026-02-01. Review status: criteria provided, single submitter. Criteria: Invitae Variant Classification Sherloc (09022015). Collection method: clinical testing. Allele origin: germline.

Illumina Laboratory Services, Illumina
Classification: Uncertain significance for Autosomal recessive limb-girdle muscular dystrophy type 2O. Last evaluated: 2018-01-12. Review status: criteria provided, single submitter. Criteria: ICSL Variant Classification Criteria 13 December 2019. Collection method: clinical testing. Allele origin: germline.

Illumina Laboratory Services, Illumina
Classification: Likely benign for Congenital Muscular Dystrophy, alpha-dystroglycan related. Last evaluated: 2018-01-12. Review status: criteria provided, single submitter. Criteria: ICSL Variant Classification Criteria 13 December 2019. Collection method: clinical testing. Allele origin: germline.
Comment: This variant was observed in the ICSL laboratory as part of a predisposition screen in an ostensibly healthy population. It had not been previously curated by ICSL or reported in the Human Gene Mutation Database (HGMD: prior to June 1st, 2018), and was therefore a candidate for classification through an automated scoring system. Utilizing variant allele frequency, disease prevalence and penetrance estimates, and inheritance mode, an automated score was calculated to assess if this variant is too frequent to cause the disease. Based on the score and internal cut-off values, a variant classified as likely benign is not then subjected to further curation. The score for this variant resulted in a classification of likely benign for this disease.

GeneDx
Classification: Benign. Last evaluated: 2016-05-23. Review status: criteria provided, single submitter. Criteria: GeneDx Variant Classification (06012015). Collection method: clinical testing. Allele origin: germline. Affected: yes.
Comment: This variant is considered likely benign or benign based on one or more of the following criteria: it is a conservative change, it occurs at a poorly conserved position in the protein, it is predicted to be benign by multiple in silico algorithms, and/or has population frequency not consistent with disease.

PreventionGenetics, part of Exact Sciences
Classification: Benign. Review status: criteria provided, single submitter. Criteria: ACMG Guidelines, 2015. Collection method: clinical testing. Allele origin: germline.

Clinical Genetics DNA and cytogenetics Diagnostics Lab, Erasmus MC, Erasmus Medical Center
Classification: Likely benign. Review status: no assertion criteria provided. Collection method: clinical testing. Allele origin: germline. Affected: yes. Study: VKGL Data-share Consensus. Not counted in ClinVar's aggregate classification.

Clinical Genetics, Academic Medical Center
Classification: Likely benign. Review status: no assertion criteria provided. Collection method: clinical testing. Allele origin: germline. Affected: yes. Study: VKGL Data-share Consensus. Not counted in ClinVar's aggregate classification.

Laboratory of Diagnostic Genome Analysis, Leiden University Medical Center (LUMC)
Classification: Likely benign. Review status: no assertion criteria provided. Collection method: clinical testing. Allele origin: germline. Affected: yes. Study: VKGL Data-share Consensus. Not counted in ClinVar's aggregate classification.